The following is an entry in ClinVar:

ClinVar aggregate classification (germline): Conflicting classifications of pathogenicity. Review status: criteria provided, conflicting classifications (1 of 4 stars). 6 submissions from 6 submitters: Uncertain significance (4); Likely benign (2). Last evaluated 2026-03-12.

Conditions:
Aortic aneurysm, familial thoracic 4 (AAT4). Also called: AORTIC ANEURYSM/AORTIC DISSECTION AND PATENT DUCTUS ARTERIOSUS. Identifiers: MedGen C1851504, MONDO:0007568, OMIM 132900.
Familial thoracic aortic aneurysm and aortic dissection (TAAD). Also called: Thoracic aortic aneurysms and dissections. Identifiers: Orphanet 91387, MedGen C4707243, MONDO:0019625.

Allele frequency attached by ClinVar (database versions not stated): 1000 Genomes Project 30x 0.00016; 1000 Genomes Project 0.00020; TOPMed 0.00022; ESP Exome Variant Server 0.00031.
gnomAD v4.1: 53 of 1,613,998 alleles (0.0033%); highest among the groups gnomAD compares: African/African-American, 0.056%; no homozygotes.

Submissions (6):

GeneDx
Classification: Uncertain significance. Last evaluated: 2026-03-12. Review status: criteria provided, single submitter. Criteria: GeneDx Variant Classification Process June 2021. Collection method: clinical testing. Allele origin: germline.
Comment: In silico analysis suggests that this missense variant does not alter protein structure/function; Has not been previously published as pathogenic or benign to our knowledge; This variant is associated with the following publications: (PMID: 28166811)

Labcorp Genetics (formerly Invitae), Labcorp
Classification: Uncertain significance for Aortic aneurysm, familial thoracic 4. Last evaluated: 2024-11-05. Review status: criteria provided, single submitter. Criteria: Invitae Variant Classification Sherloc (09022015). Collection method: clinical testing. Allele origin: germline.
Comment: This sequence change replaces valine, which is neutral and non-polar, with leucine, which is neutral and non-polar, at codon 1299 of the MYH11 protein (p.Val1299Leu). This variant is present in population databases (rs151058774, gnomAD 0.05%). This variant has not been reported in the literature in individuals affected with MYH11-related conditions. ClinVar contains an entry for this variant (Variation ID: 534147). Invitae Evidence Modeling of protein sequence and biophysical properties (such as structural, functional, and spatial information, amino acid conservation, physicochemical variation, residue mobility, and thermodynamic stability) indicates that this missense variant is not expected to disrupt MYH11 protein function with a negative predictive value of 95%. In summary, the available evidence is currently insufficient to determine the role of this variant in disease. Therefore, it has been classified as a Variant of Uncertain Significance.

Ambry Genetics
Classification: Uncertain significance for Familial thoracic aortic aneurysm and aortic dissection. Last evaluated: 2024-09-05. Review status: criteria provided, single submitter. Criteria: Ambry Variant Classification Scheme 2023. Collection method: clinical testing. Allele origin: germline.
Comment: The p.V1292L variant (also known as c.3874G>C), located in coding exon 28 of the MYH11 gene, results from a G to C substitution at nucleotide position 3874. The valine at codon 1292 is replaced by leucine, an amino acid with highly similar properties. This amino acid position is highly conserved in available vertebrate species. In addition, the in silico prediction for this alteration is inconclusive. Since supporting evidence is limited at this time, the clinical significance of this alteration remains unclear.

Blueprint Genetics
Classification: Uncertain significance. Last evaluated: 2023-09-14. Review status: criteria provided, single submitter. Criteria: ACMG Guidelines, 2015. Collection method: clinical testing. Allele origin: germline.

Women's Health and Genetics/Laboratory Corporation of America, LabCorp
Classification: Likely benign. Last evaluated: 2021-07-06. Review status: criteria provided, single submitter. Criteria: LabCorp Variant Classification Summary - May 2015. Collection method: clinical testing. Allele origin: germline.
Comment: Variant summary: MYH11 c.3895G>C (p.Val1299Leu) results in a conservative amino acid change located in the Myosin tail domain of the encoded protein sequence. Four of five in-silico tools predict a benign effect of the variant on protein function. The variant allele was found at a frequency of 4.8e-05 in 251272 control chromosomes. The observed variant frequency is approximately 3.82 fold of the estimated maximal expected allele frequency for a pathogenic variant in MYH11 causing Thoracic Aortic Aneurysms And Dissections phenotype (1.3e-05), strongly suggesting that the variant is benign. To our knowledge, no occurrence of c.3895G>C in individuals affected with Thoracic Aortic Aneurysms And Dissections and no experimental evidence demonstrating its impact on protein function have been reported. Two clinical diagnostic laboratories have submitted clinical-significance assessments for this variant to ClinVar after 2014 without evidence for independent evaluation. One laboratory classified the variant as likely benign, and one laboratory classified the variant as uncertain significance. Based on the evidence outlined above, the variant was classified as likely benign.

Color Diagnostics, LLC DBA Color Health
Classification: Likely benign for Familial thoracic aortic aneurysm and aortic dissection. Last evaluated: 2020-02-20. Review status: criteria provided, single submitter. Criteria: ACMG Guidelines, 2015. Collection method: clinical testing. Allele origin: germline.

NM_002474.3(MYH11):c.3874G>C (p.Val1292Leu)

Genes: MYH11 (myosin heavy chain 11; minus strand), NDE1 (nudE neurodevelopment protein 1; plus strand). Cytogenetic location: 16p13.11.
Variant type: single nucleotide variant.
Coding change: c.3874G>C on transcript NM_002474.3 (MANE Select); coding-DNA position 3874, G replaced by C.
Protein change: p.Val1292Leu; replaces valine 1292 with leucine.
Molecular consequence: missense variant. On other transcripts: 3 prime UTR variant (2).
Genome position (GRCh38, 1-based): chr16:15,724,977, C>G on the plus strand (G>C on the coding strand, the complement: MYH11 is on the minus strand). VCF-style: chr16-15724977-C-G. GRCh37 (hg19) VCF-style: chr16-15818834-C-G.
Other names: c.3895G>C, p.Val1299Leu (NM_001040113.2, NM_001040114.2); c.3874G>C, p.Val1292Leu (NM_022844.3); c.*726C>G (NM_001143979.2, NM_017668.3); short protein forms V1299L, V1292L.
Identifiers: ClinVar variation 534147 (VCV000534147.20), dbSNP rs151058774, ClinGen allele CA7921846.